The following is an entry in ClinVar:

ClinVar aggregate classification (germline): Uncertain significance (1 of 4 stars; one submission).

Submission:

Ambry Genetics
Classification: Uncertain significance. Last evaluated: 2026-03-23. Review status: criteria provided, single submitter. Criteria: Ambry Variant Classification Scheme 2023. Collection method: clinical testing. Allele origin: germline.
Comment: The c.7469A>G (p.H2490R) alteration is located in exon 15 (coding exon 15) of the FCGBP gene. This alteration results from a A to G substitution at nucleotide position 7469, causing the histidine (H) at amino acid position 2490 to be replaced by an arginine (R). Based on data from gnomAD, the G allele has an overall frequency of 0.001% (3/222642) total alleles studied. The highest observed frequency was 0.007% (2/28166) of Latino alleles. Based on insufficient or conflicting evidence, the clinical significance of this alteration remains unclear.

NM_003890.3(FCGBP):c.7469A>G (p.His2490Arg)

Gene: FCGBP (Fc gamma binding protein; minus strand). Cytogenetic location: 19q13.2.
Variant type: single nucleotide variant.
Coding change: c.7469A>G on transcript NM_003890.3 (MANE Select); coding-DNA position 7469, A replaced by G.
Protein change: p.His2490Arg; replaces histidine 2490 with arginine.
Molecular consequence: missense variant.
Genome position (GRCh38, 1-based): chr19:39,905,855, T>C on the plus strand (A>G on the coding strand, the complement: FCGBP is on the minus strand). VCF-style: chr19-39905855-T-C. GRCh37 (hg19) VCF-style: chr19-40395928-T-C.
Other names: short protein forms H2490R.
Identifiers: ClinVar variation 4871293 (VCV004871293.1).